The following is an entry in ClinVar:

ClinVar aggregate classification (germline): Uncertain significance. Review status: criteria provided, multiple submitters, no conflicts (2 of 4 stars). 2 submissions from 2 submitters: Uncertain significance (2). Last evaluated 2025-06-22.

Conditions:
Inborn genetic diseases. Identifiers: MedGen C0950123, MeSH D030342.

Allele frequency attached by ClinVar (database versions not stated): gnomAD exomes below 0.00001.
gnomAD v4.1: 1 of 1,614,128 alleles (0.000062%); highest among the groups gnomAD compares: Admixed American, 0.0017%; no homozygotes.

Submissions (2):

Labcorp Genetics (formerly Invitae), Labcorp
Classification: Uncertain significance. Last evaluated: 2025-06-22. Review status: criteria provided, single submitter. Criteria: Invitae Variant Classification Sherloc (09022015). Collection method: clinical testing. Allele origin: germline.
Comment: This sequence change replaces asparagine, which is neutral and polar, with aspartic acid, which is acidic and polar, at codon 154 of the NDUFAF3 protein (p.Asn154Asp). This variant is present in population databases (no rsID available, gnomAD 0.003%). This variant has not been reported in the literature in individuals affected with NDUFAF3-related conditions. ClinVar contains an entry for this variant (Variation ID: 1907091). An algorithm developed to predict the effect of missense changes on protein structure and function (PolyPhen-2) suggests that this variant is likely to be disruptive. In summary, the available evidence is currently insufficient to determine the role of this variant in disease. Therefore, it has been classified as a Variant of Uncertain Significance.

Ambry Genetics
Classification: Uncertain significance for Inborn genetic diseases. Last evaluated: 2025-04-03. Review status: criteria provided, single submitter. Criteria: Ambry Variant Classification Scheme 2023. Collection method: clinical testing. Allele origin: germline.

NM_199069.2(NDUFAF3):c.460A>G (p.Asn154Asp)

Gene: NDUFAF3 (NADH:ubiquinone oxidoreductase complex assembly factor 3; plus strand). Cytogenetic location: 3p21.31.
Variant type: single nucleotide variant.
Coding change: c.460A>G on transcript NM_199069.2 (MANE Select); coding-DNA position 460, A replaced by G.
Protein change: p.Asn154Asp; replaces asparagine 154 with aspartic acid.
Molecular consequence: missense variant.
Genome position (GRCh38, 1-based): chr3:49,023,077, A>G. VCF-style: chr3-49023077-A-G. GRCh37 (hg19) VCF-style: chr3-49060510-A-G.
Other names: c.460A>G (NM_199069.1); c.289A>G, p.Asn97Asp (NM_199070.2, NM_199073.2, NM_199074.2); short protein forms N154D, N97D.
Identifiers: ClinVar variation 1907091 (VCV001907091.6), dbSNP rs564253546, ClinGen allele CA352730415.